The following is an entry in ClinVar:

ClinVar aggregate classification (germline): Uncertain significance. Review status: criteria provided, multiple submitters, no conflicts (2 of 4 stars). 3 submissions from 3 submitters: Uncertain significance (2). 1 of the submissions does not count toward it. Last evaluated 2025-02-22.

Conditions:
Inborn genetic diseases. Identifiers: MedGen C0950123, MeSH D030342.
Werner syndrome (WRN). Identifiers: Orphanet 902, MedGen C0043119, MONDO:0010196, OMIM 277700.

Allele frequency attached by ClinVar (database versions not stated): gnomAD exomes below 0.00001.
gnomAD v4.1: 1 of 1,606,548 alleles (0.000062%); highest among the groups gnomAD compares: Non-Finnish European, 0.000085%; no homozygotes.

Submissions (3):

Ambry Genetics
Classification: Uncertain significance for Inborn genetic diseases. Last evaluated: 2025-02-22. Review status: criteria provided, single submitter. Criteria: Ambry Variant Classification Scheme 2023. Collection method: clinical testing. Allele origin: germline.

Labcorp Genetics (formerly Invitae), Labcorp
Classification: Uncertain significance for Werner syndrome. Last evaluated: 2023-02-16. Review status: criteria provided, single submitter. Criteria: Invitae Variant Classification Sherloc (09022015). Collection method: clinical testing. Allele origin: germline.
Comment: In summary, the available evidence is currently insufficient to determine the role of this variant in disease. Therefore, it has been classified as a Variant of Uncertain Significance. An algorithm developed to predict the effect of missense changes on protein structure and function (PolyPhen-2) suggests that this variant is likely to be tolerated. ClinVar contains an entry for this variant (Variation ID: 135447). This variant has not been reported in the literature in individuals affected with WRN-related conditions. This variant is not present in population databases (gnomAD no frequency). This sequence change replaces isoleucine, which is neutral and non-polar, with valine, which is neutral and non-polar, at codon 223 of the WRN protein (p.Ile223Val).

ITMI
No classification provided. Condition: AllHighlyPenetrant. Last evaluated: 2013-09-19. Review status: no classification provided. Collection method: reference population. Allele origin: germline. Not counted in ClinVar's aggregate classification.
Comment: Please see associated publication for description of ethnicities

Literature cited by the submitters: PubMed 24728327 (cited by ITMI).

NM_000553.6(WRN):c.667A>G (p.Ile223Val)

Gene: WRN (WRN RecQ like helicase; plus strand). Cytogenetic location: 8p12.
Variant type: single nucleotide variant.
Coding change: c.667A>G on transcript NM_000553.6 (MANE Select); coding-DNA position 667, A replaced by G.
Protein change: p.Ile223Val; replaces isoleucine 223 with valine.
Molecular consequence: missense variant.
Genome position (GRCh38, 1-based): chr8:31,068,270, A>G. VCF-style: chr8-31068270-A-G. GRCh37 (hg19) VCF-style: chr8-30925786-A-G.
Other names: short protein forms I223V.
Identifiers: ClinVar variation 135447 (VCV000135447.7), dbSNP rs587778754, ClinGen allele CA162791.